The following is an entry in ClinVar:

ClinVar aggregate classification (germline): Uncertain significance. Review status: criteria provided, multiple submitters, no conflicts (2 of 4 stars). 2 submissions from 2 submitters: Uncertain significance (2). Last evaluated 2025-09-06.

Conditions:
Familial Mediterranean fever (FMF). Also called: POLYSEROSITIS, FAMILIAL PAROXYSMAL; POLYSEROSITIS, RECURRENT; Periodic peritonitis; Benign paroxysmal peritonitis. Identifiers: Orphanet 342, MedGen C0031069, MONDO:0018088, OMIM 249100. Disease mechanism: gain of function.

Allele frequency attached by ClinVar (database versions not stated): gnomAD exomes below 0.00001.
gnomAD v4.1: 1 of 1,611,570 alleles (0.000062%); highest among the groups gnomAD compares: Non-Finnish European, 0.000085%; no homozygotes.

Submissions (2):

Mayo Clinic Laboratories, Mayo Clinic
Classification: Uncertain significance. Last evaluated: 2025-09-06. Review status: criteria provided, single submitter. Criteria: ACMG Guidelines, 2015. Collection method: clinical testing. Allele origin: germline. Observed: 1 variant allele.
Comment: BP4_moderate, PM2_supporting

Labcorp Genetics (formerly Invitae), Labcorp
Classification: Uncertain significance for Familial Mediterranean fever. Last evaluated: 2021-08-31. Review status: criteria provided, single submitter. Criteria: Invitae Variant Classification Sherloc (09022015). Collection method: clinical testing. Allele origin: germline.
Comment: This sequence change replaces serine with proline at codon 95 of the MEFV protein (p.Ser95Pro). The serine residue is weakly conserved and there is a moderate physicochemical difference between serine and proline. This variant is not present in population databases (ExAC no frequency). This variant has not been reported in the literature in individuals affected with MEFV-related conditions. Algorithms developed to predict the effect of missense changes on protein structure and function output the following: SIFT: "Tolerated"; PolyPhen-2: "Benign"; Align-GVGD: "Class C0". The proline amino acid residue is found in multiple mammalian species, which suggests that this missense change does not adversely affect protein function. In summary, the available evidence is currently insufficient to determine the role of this variant in disease. Therefore, it has been classified as a Variant of Uncertain Significance.

NM_000243.3(MEFV):c.283T>C (p.Ser95Pro)

Gene: MEFV (MEFV innate immunity regulator, pyrin; minus strand). Cytogenetic location: 16p13.3.
Variant type: single nucleotide variant.
Coding change: c.283T>C on transcript NM_000243.3 (MANE Select); coding-DNA position 283, T replaced by C.
Protein change: p.Ser95Pro; replaces serine 95 with proline.
Molecular consequence: missense variant. On other transcripts: intron variant (1).
Genome position (GRCh38, 1-based): chr16:3,254,785, A>G on the plus strand (T>C on the coding strand, the complement: MEFV is on the minus strand). VCF-style: chr16-3254785-A-G. GRCh37 (hg19) VCF-style: chr16-3304785-A-G.
Other names: p.Ser95Pro; c.277+1526T>C (NM_001198536.2); short protein forms S95P.
Identifiers: ClinVar variation 935103 (VCV000935103.8), dbSNP rs1463263180, ClinGen allele CA394482864.